The following is an entry in ClinVar:

ClinVar aggregate classification (germline): Uncertain significance. Review status: criteria provided, single submitter (1 of 4 stars). 2 submissions from 2 submitters: Uncertain significance (1). 1 of the submissions does not count toward it. Last evaluated 2024-10-21.

Conditions:
MOCS3-related disorder. Also called: MOCS3-related condition.

gnomAD v4.1: 18 of 1,612,910 alleles (0.0011%); highest among the groups gnomAD compares: Non-Finnish European, 0.0015%; no homozygotes.

Submissions (2):

Labcorp Genetics (formerly Invitae), Labcorp
Classification: Uncertain significance. Last evaluated: 2024-10-21. Review status: criteria provided, single submitter. Criteria: Invitae Variant Classification Sherloc (09022015). Collection method: clinical testing. Allele origin: germline.
Comment: This sequence change affects codon 72 of the MOCS3 mRNA. It is a 'silent' change, meaning that it does not change the encoded amino acid sequence of the MOCS3 protein. This variant is not present in population databases (gnomAD no frequency). This variant has not been reported in the literature in individuals affected with MOCS3-related conditions. In summary, the available evidence is currently insufficient to determine the role of this variant in disease. Therefore, it has been classified as a Variant of Uncertain Significance.

PreventionGenetics, part of Exact Sciences
Classification: Likely benign for MOCS3-related condition. Last evaluated: 2024-05-10. Review status: no assertion criteria provided. Collection method: clinical testing. Allele origin: germline. Not counted in ClinVar's aggregate classification.
Comment: This variant is classified as likely benign based on ACMG/AMP sequence variant interpretation guidelines (Richards et al. 2015 PMID: 25741868, with internal and published modifications).

NM_014484.5(MOCS3):c.214C>T (p.Leu72=)

Gene: MOCS3 (molybdenum cofactor synthesis 3; plus strand). Cytogenetic location: 20q13.13.
Variant type: single nucleotide variant.
Coding change: c.214C>T on transcript NM_014484.5 (MANE Select); coding-DNA position 214, C replaced by T.
Protein change: p.Leu72=; no amino-acid change (leucine 72 retained).
Molecular consequence: synonymous variant.
Genome position (GRCh38, 1-based): chr20:50,959,056, C>T. VCF-style: chr20-50959056-C-T. GRCh37 (hg19) VCF-style: chr20-49575593-C-T.
Identifiers: ClinVar variation 3357353 (VCV003357353.3).